The following is an entry in ClinVar:

NM_005591.4(MRE11):c.304G>A (p.Gly102Ser)

Gene: MRE11 (MRE11 double strand break repair nuclease; minus strand). Cytogenetic location: 11q21.
Variant type: single nucleotide variant.
Coding change: c.304G>A on transcript NM_005591.4 (MANE Select); coding-DNA position 304, G replaced by A.
Protein change: p.Gly102Ser; replaces glycine 102 with serine.
Molecular consequence: missense variant.
Genome position (GRCh38, 1-based): chr11:94,485,934, C>T on the plus strand (G>A on the coding strand, the complement: MRE11 is on the minus strand). VCF-style: chr11-94485934-C-T. GRCh37 (hg19) VCF-style: chr11-94219100-C-T.
Other names: c.304G>A, p.Gly102Ser (NM_001330347.2, NM_005590.4); short protein forms G102S.
Identifiers: ClinVar variation 3874344 (VCV003874344.1).

ClinVar aggregate classification (germline): Uncertain significance (1 of 4 stars; one submission).

Conditions:
Hereditary cancer-predisposing syndrome. Also called: Tumor predisposition; Neoplastic Syndromes, Hereditary; Hereditary Cancer Syndrome; Hereditary neoplastic syndrome. Identifiers: Orphanet 140162, MedGen C0027672, MeSH D009386, MONDO:0015356.

Submission:

Ambry Genetics
Classification: Uncertain significance for Hereditary cancer-predisposing syndrome. Last evaluated: 2025-02-28. Review status: criteria provided, single submitter. Criteria: Ambry Variant Classification Scheme 2023. Collection method: clinical testing. Allele origin: germline.
Comment: The p.G102S variant (also known as c.304G>A), located in coding exon 3 of the MRE11A gene, results from a G to A substitution at nucleotide position 304. The glycine at codon 102 is replaced by serine, an amino acid with similar properties. This amino acid position is conserved. In addition, this alteration is predicted to be tolerated by in silico analysis. Based on the available evidence, the clinical significance of this variant remains unclear.